The following is an entry in ClinVar:

ClinVar aggregate classification (germline): Uncertain significance (1 of 4 stars; one submission).

Submission:

Labcorp Genetics (formerly Invitae), Labcorp
Classification: Uncertain significance. Last evaluated: 2025-12-30. Review status: criteria provided, single submitter. Criteria: Invitae Variant Classification Sherloc (09022015). Collection method: clinical testing. Allele origin: germline.
Comment: This sequence change replaces serine, which is neutral and polar, with glycine, which is neutral and non-polar, at codon 2950 of the FAT4 protein (p.Ser2950Gly). This variant is not present in population databases (gnomAD no frequency). This variant has not been reported in the literature in individuals affected with FAT4-related conditions. Invitae Evidence Modeling of protein sequence and biophysical properties (such as structural, functional, and spatial information, amino acid conservation, physicochemical variation, residue mobility, and thermodynamic stability) indicates that this missense variant is not expected to disrupt FAT4 protein function with a negative predictive value of 95%. In summary, the available evidence is currently insufficient to determine the role of this variant in disease. Therefore, it has been classified as a Variant of Uncertain Significance.

NM_001291303.3(FAT4):c.8854A>G (p.Ser2952Gly)

Gene: FAT4 (FAT atypical cadherin 4; plus strand). Cytogenetic location: 4q28.1.
Variant type: single nucleotide variant.
Coding change: c.8854A>G on transcript NM_001291303.3 (MANE Select); coding-DNA position 8854, A replaced by G.
Protein change: p.Ser2952Gly; replaces serine 2952 with glycine.
Molecular consequence: missense variant.
Genome position (GRCh38, 1-based): chr4:125,449,864, A>G. VCF-style: chr4-125449864-A-G. GRCh37 (hg19) VCF-style: chr4-126371019-A-G.
Other names: c.8854A>G, p.Ser2952Gly (NM_001291285.3, NM_001438396.1, NM_001438397.1); c.3625A>G, p.Ser1209Gly (NM_001437895.1); c.8848A>G, p.Ser2950Gly (NM_024582.6); short protein forms S1209G, S2950G, S2952G.
Identifiers: ClinVar variation 4802700 (VCV004802700.1).